The following is an entry in ClinVar:

ClinVar aggregate classification (germline): Uncertain significance (1 of 4 stars; one submission).

Conditions:
Neuropathy, hereditary sensory, type 2C. Also called: KIF1A-Related HSAN2 (HSAN2C); Hereditary sensory and autonomic neuropathy type IIC. Identifiers: Orphanet 970, MedGen C3280168, MONDO:0013634, OMIM 614213.
Intellectual disability, autosomal dominant 9 (NESCAVS). Also called: NESCAV SYNDROME; KIF1A-Related Neurodevelopmental Disorder. Identifiers: Orphanet 662367, MedGen C5393830, MONDO:0013656, OMIM 614255.
Hereditary spastic paraplegia 30. Identifiers: Orphanet 101010, MedGen C5235139, MONDO:0012476.

Allele frequency attached by ClinVar (database versions not stated): gnomAD exomes below 0.00001; TOPMed below 0.00001.
gnomAD v4.1: 1 of 1,602,578 alleles (0.000062%); highest among the groups gnomAD compares: Non-Finnish European, 0.000085%; no homozygotes.

Submission:

Labcorp Genetics (formerly Invitae), Labcorp
Classification: Uncertain significance for Hereditary spastic paraplegia 30; Neuropathy, hereditary sensory, type 2C; Intellectual disability, autosomal dominant 9. Last evaluated: 2023-05-16. Review status: criteria provided, single submitter. Criteria: Invitae Variant Classification Sherloc (09022015). Collection method: clinical testing. Allele origin: germline.
Comment: Advanced modeling of protein sequence and biophysical properties (such as structural, functional, and spatial information, amino acid conservation, physicochemical variation, residue mobility, and thermodynamic stability) has been performed at Invitae for this missense variant, however the output from this modeling did not meet the statistical confidence thresholds required to predict the impact of this variant on KIF1A protein function. In summary, the available evidence is currently insufficient to determine the role of this variant in disease. Therefore, it has been classified as a Variant of Uncertain Significance. This sequence change replaces aspartic acid, which is acidic and polar, with tyrosine, which is neutral and polar, at codon 774 of the KIF1A protein (p.Asp774Tyr). This variant is not present in population databases (gnomAD no frequency). This variant has not been reported in the literature in individuals affected with KIF1A-related conditions. ClinVar contains an entry for this variant (Variation ID: 532863).

NM_001244008.2(KIF1A):c.2347G>T (p.Asp783Tyr)

Gene: KIF1A (kinesin family member 1A; minus strand). Cytogenetic location: 2q37.3.
Variant type: single nucleotide variant.
Coding change: c.2347G>T on transcript NM_001244008.2 (MANE Select); coding-DNA position 2347, G replaced by T.
Protein change: p.Asp783Tyr; replaces aspartic acid 783 with tyrosine.
Molecular consequence: missense variant.
Genome position (GRCh38, 1-based): chr2:240,760,762, C>A on the plus strand (G>T on the coding strand, the complement: KIF1A is on the minus strand). VCF-style: chr2-240760762-C-A. GRCh37 (hg19) VCF-style: chr2-241700179-C-A.
Other names: c.2347G>T, p.Asp783Tyr (NM_001320705.2, NM_001330289.2, NM_001379638.1); c.2422G>T, p.Asp808Tyr (NM_001330290.2, NM_001379631.1, NM_001379634.1 and 2 more transcripts); c.2320G>T, p.Asp774Tyr (NM_001379632.1, NM_001379633.1, NM_001379636.1 and 10 more transcripts); c.2395G>T, p.Asp799Tyr (NM_001379637.1, NM_001379648.1); short protein forms D774Y, D783Y, D808Y, D799Y.
Identifiers: ClinVar variation 532863 (VCV000532863.9), dbSNP rs1441080561, ClinGen allele CA351324888.